The following is an entry in ClinVar:

ClinVar aggregate classification (germline): Pathogenic/Likely pathogenic. Review status: criteria provided, multiple submitters, no conflicts (2 of 4 stars). 5 submissions from 5 submitters: Pathogenic (3); Likely pathogenic (2). Last evaluated 2025-07-10.

Conditions:
Hereditary cancer-predisposing syndrome. Also called: Hereditary Cancer Syndrome; Neoplastic Syndromes, Hereditary; Hereditary neoplastic syndrome; Tumor predisposition. Identifiers: Orphanet 140162, MedGen C0027672, MeSH D009386, MONDO:0015356.
Birt-Hogg-Dube syndrome. Also called: Birt Hogg Dubé syndrome. Identifiers: Orphanet 122, MedGen C0346010, MONDO:0800444.

Allele frequency attached by ClinVar (database versions not stated): gnomAD 0.00001.
gnomAD v4.1: 1 of 1,611,970 alleles (0.000062%); highest among the groups gnomAD compares: Non-Finnish European, 0.000085%; no homozygotes.

Submissions (5):

Ambry Genetics
Classification: Pathogenic for Hereditary cancer-predisposing syndrome. Last evaluated: 2025-07-10. Review status: criteria provided, single submitter. Criteria: Ambry Variant Classification Scheme 2023. Collection method: clinical testing. Allele origin: germline.
Comment: The c.1433-2A>G intronic pathogenic mutation results from an A to G substitution two nucleotides upstream from coding exon 10 in the FLCN gene. This variant was reported in individuals with features consistent with Birt-Hogg-Dube syndrome (Gupta S et al. Eur Urol, 2025 Apr; Ambry internal data). This nucleotide position is well conserved in available vertebrate species. In silico splice site analysis predicts that this alteration will weaken the native splice acceptor site and will result in the creation or strengthening of a novel splice acceptor site. RNA studies have demonstrated that this alteration results in abnormal splicing in the set of samples tested (Ambry internal data). This variant is considered to be rare based on population cohorts in the Genome Aggregation Database (gnomAD). Alterations that disrupt the canonical splice site are expected to cause aberrant splicing, resulting in an abnormal protein or a transcript that is subject to nonsense-mediated mRNA decay. As such, this alteration is classified as a disease-causing mutation.

Myriad Genetics, Inc.
Classification: Likely pathogenic for Birt-Hogg-Dube syndrome 1. Last evaluated: 2023-04-27. Review status: criteria provided, single submitter. Criteria: Myriad Autosomal Dominant, Autosomal Recessive and X-Linked Classification Criteria (2023). Collection method: clinical testing. Allele origin: unknown.
Comment: This variant is considered likely pathogenic. This variant occurs within a consensus splice junction and is predicted to result in abnormal mRNA splicing of either an out-of-frame exon or an in-frame exon necessary for protein stability and/or normal function.

Labcorp Genetics (formerly Invitae), Labcorp
Classification: Likely pathogenic for Birt-Hogg-Dube syndrome. Last evaluated: 2019-12-16. Review status: criteria provided, single submitter. Criteria: Invitae Variant Classification Sherloc (09022015). Collection method: clinical testing. Allele origin: germline.
Comment: In summary, the currently available evidence indicates that the variant is pathogenic, but additional data are needed to prove that conclusively. Therefore, this variant has been classified as Likely Pathogenic. Donor and acceptor splice site variants typically lead to a loss of protein function (PMID: 16199547), and loss-of-function variants in FLCN are known to be pathogenic (PMID: 15852235). Algorithms developed to predict the effect of sequence changes on RNA splicing suggest that this variant may disrupt the consensus splice site, but this prediction has not been confirmed by published transcriptional studies. This variant has not been reported in the literature in individuals with FLCN-related conditions. ClinVar contains an entry for this variant (Variation ID: 96476). This variant is not present in population databases (ExAC no frequency). This sequence change affects an acceptor splice site in intron 12 of the FLCN gene. It is expected to disrupt RNA splicing and likely results in an absent or disrupted protein product.

GeneDx
Classification: Pathogenic. Last evaluated: 2016-03-11. Review status: criteria provided, single submitter. Criteria: GeneDx Variant Classification (06012015). Collection method: clinical testing. Allele origin: germline. Affected: yes.
Comment: The c.1433-2A>G splice site variant in the FLCN gene destroys the canonical splice acceptor site in intron 12. It is predicted to cause abnormal gene splicing, either leading to an abnormal message that is subject to nonsense-mediated mRNA decay, or to an abnormal protein product if the message is used for protein translation. This pathogenic variant has not been previously reported to our knowledge.

Eurofins Ntd Llc (ga)
Classification: Pathogenic. Last evaluated: 2012-11-01. Review status: criteria provided, single submitter. Criteria: EGL Classification Definitions 2015. Collection method: clinical testing. Allele origin: germline. Observed: 1 variant allele, 1 heterozygote.

Literature cited by the submitters: PubMed 40253282 (cited by Ambry Genetics); PubMed 16199547 (cited by Labcorp Genetics (formerly Invitae), Labcorp); PubMed 15852235 (cited by Labcorp Genetics (formerly Invitae), Labcorp).

NM_144997.7(FLCN):c.1433-2A>G

Gene: FLCN (folliculin; minus strand). Cytogenetic location: 17p11.2.
Variant type: single nucleotide variant.
Coding change: c.1433-2A>G on transcript NM_144997.7 (MANE Select); the canonical splice acceptor site of the intron before coding-DNA position 1433, A replaced by G.
Molecular consequence: splice acceptor variant.
Genome position (GRCh38, 1-based): chr17:17,215,092, T>C on the plus strand (A>G on the coding strand, the complement: FLCN is on the minus strand). VCF-style: chr17-17215092-T-C. GRCh37 (hg19) VCF-style: chr17-17118406-T-C.
Other names: c.1433-2A>G (NM_001353231.2, NM_001353230.2); c.1487-2A>G (NM_001353229.2).
Identifiers: ClinVar variation 96476 (VCV000096476.19), dbSNP rs398124528, ClinGen allele CA196500.